The following is an entry in ClinVar:

ClinVar aggregate classification (germline): Conflicting classifications of pathogenicity. Review status: criteria provided, conflicting classifications (1 of 4 stars). 3 submissions from 3 submitters: Uncertain significance (2); Likely benign (1). Last evaluated 2026-07-01.

Conditions:
Microcephaly 3, primary, autosomal recessive. Identifiers: Orphanet 2512, MedGen C1858108, MONDO:0011488, OMIM 604804.

Allele frequency attached by ClinVar (database versions not stated): ExAC 0.00007; gnomAD 0.00007; TOPMed 0.00007; gnomAD exomes 0.00009 and 0.00022; ESP Exome Variant Server 0.00015.
gnomAD v4.1: 319 of 1,614,046 alleles (0.02%); highest among the groups gnomAD compares: South Asian, 0.029%; 4 homozygotes.

Submissions (3):

CeGaT Center for Human Genetics Tuebingen
Classification: Likely benign. Last evaluated: 2026-07-01. Review status: criteria provided, single submitter. Criteria: CeGaT Center For Human Genetics Tuebingen Variant Classification Criteria Version 2. Collection method: clinical testing. Allele origin: germline. Affected: yes. Observed: 1 variant allele.
Comment: CDK5RAP2: BP4

Labcorp Genetics (formerly Invitae), Labcorp
Classification: Uncertain significance. Last evaluated: 2022-04-11. Review status: criteria provided, single submitter. Criteria: Invitae Variant Classification Sherloc (09022015). Collection method: clinical testing. Allele origin: germline.
Comment: This sequence change replaces arginine, which is basic and polar, with glutamine, which is neutral and polar, at codon 192 of the CDK5RAP2 protein (p.Arg192Gln). This variant is present in population databases (rs200650108, gnomAD 0.03%), including at least one homozygous and/or hemizygous individual. This variant has not been reported in the literature in individuals affected with CDK5RAP2-related conditions. ClinVar contains an entry for this variant (Variation ID: 364782). Algorithms developed to predict the effect of missense changes on protein structure and function are either unavailable or do not agree on the potential impact of this missense change (SIFT: "Deleterious"; PolyPhen-2: "Benign"; Align-GVGD: "Class C0"). In summary, the available evidence is currently insufficient to determine the role of this variant in disease. Therefore, it has been classified as a Variant of Uncertain Significance.

Illumina Laboratory Services, Illumina
Classification: Uncertain significance for Microcephaly 3, primary, autosomal recessive. Last evaluated: 2018-01-12. Review status: criteria provided, single submitter. Criteria: ICSL Variant Classification Criteria 13 December 2019. Collection method: clinical testing. Allele origin: germline.

NM_018249.6(CDK5RAP2):c.575G>A (p.Arg192Gln)

Gene: CDK5RAP2 (CDK5 regulatory subunit associated protein 2; minus strand). Cytogenetic location: 9q33.2.
Variant type: single nucleotide variant.
Coding change: c.575G>A on transcript NM_018249.6 (MANE Select); coding-DNA position 575, G replaced by A.
Protein change: p.Arg192Gln; replaces arginine 192 with glutamine.
Molecular consequence: missense variant. On other transcripts: non-coding transcript variant (5).
Genome position (GRCh38, 1-based): chr9:120,536,459, C>T on the plus strand (G>A on the coding strand, the complement: CDK5RAP2 is on the minus strand). VCF-style: chr9-120536459-C-T. GRCh37 (hg19) VCF-style: chr9-123298737-C-T.
Other names: c.575G>A, p.Arg192Gln (NM_001011649.3, NM_001272039.2); short protein forms R192Q.
Identifiers: ClinVar variation 364782 (VCV000364782.7), dbSNP rs200650108, ClinGen allele CA5214671.